The following is an entry in ClinVar:

NM_020719.3(PRR12):c.2064C>T (p.Tyr688=)

Gene: PRR12 (proline rich 12; plus strand). Cytogenetic location: 19q13.33.
Variant type: single nucleotide variant.
Coding change: c.2064C>T on transcript NM_020719.3 (MANE Select); coding-DNA position 2064, C replaced by T.
Protein change: p.Tyr688=; no amino-acid change (tyrosine 688 retained).
Molecular consequence: synonymous variant.
Genome position (GRCh38, 1-based): chr19:49,596,399, C>T. VCF-style: chr19-49596399-C-T. GRCh37 (hg19) VCF-style: chr19-50099656-C-T.
Identifiers: ClinVar variation 738207 (VCV000738207.15), dbSNP rs375194322, ClinGen allele CA9578007.
Genomic context (GRCh38, chr19:49,596,399, plus strand): 5'-AGATGCCTCTAAGGGACTTGGGGGGAGTGGCGGGGCCGGGGGACCACCGGGTACACCCTA[C>T]GAGTTGGCCAAGGAAGACCCCCAGAGGTACCACCTGCAGAGTGTCATCCGCACCAGTGCC-3'
Protein context (NP_065770.1, residues 678-698): GGAGGPPGTP[Tyr688=]ELAKEDPQRY

ClinVar aggregate classification (germline): Benign/Likely benign. Review status: criteria provided, multiple submitters, no conflicts (2 of 4 stars). 3 submissions from 3 submitters: Benign (1); Likely benign (1). 1 of the submissions does not count toward it. Last evaluated 2025-05-01.

Conditions:
PRR12-related disorder. Also called: PRR12-related condition.

Allele frequency attached by ClinVar (database versions not stated): gnomAD 0.00024 and 0.00034; TOPMed 0.00032; 1000 Genomes Project 0.00040; gnomAD exomes 0.00046 and 0.00075; ExAC 0.00074; 1000 Genomes Project 30x 0.00078.

Submissions (3):

CeGaT Center for Human Genetics Tuebingen
Classification: Likely benign. Last evaluated: 2025-05-01. Review status: criteria provided, single submitter. Criteria: CeGaT Center For Human Genetics Tuebingen Variant Classification Criteria Version 2. Collection method: clinical testing. Allele origin: germline. Affected: yes. Observed: 1 variant allele.
Comment: PRR12: BP4, BP7, BS1

Labcorp Genetics (formerly Invitae), Labcorp
Classification: Benign. Last evaluated: 2018-05-15. Review status: criteria provided, single submitter. Criteria: Invitae Variant Classification Sherloc (09022015). Collection method: clinical testing. Allele origin: germline.

PreventionGenetics, part of Exact Sciences
Classification: Likely benign for PRR12-related condition. Last evaluated: 2019-02-19. Review status: no assertion criteria provided. Collection method: clinical testing. Allele origin: germline. Not counted in ClinVar's aggregate classification.
Comment: This variant is classified as likely benign based on ACMG/AMP sequence variant interpretation guidelines (Richards et al. 2015 PMID: 25741868, with internal and published modifications).